The following is an entry in ClinVar:

ClinVar aggregate classification (germline): Pathogenic (1 of 4 stars; one submission).

Conditions:
Leber congenital amaurosis 9 (LCA9). Also called: LCA9 Leber Congenital Amaurosis; LCA 9; Amaurosis congenita of Leber, type 9. Identifiers: Orphanet 65, MedGen C1837873, MONDO:0012056, OMIM 608553.

Submission:

MAGI'S LAB - Medical Genetics Laboratory, MAGI GROUP
Classification: Pathogenic for Leber congenital amaurosis 9. Last evaluated: 2024-11-29. Review status: criteria provided, single submitter. Criteria: ACMG Guidelines, 2015. Collection method: clinical testing. Allele origin: maternal. Inheritance: Autosomal recessive inheritance. Affected: yes. Observed: 1 compound heterozygote.
Comment: The variant has been identified as pathogenic according to the ACMG criteria: PM2, PM3, PP2, PP3.

NM_022787.4(NMNAT1):c.140T>A (p.Ile47Asn)

Gene: NMNAT1 (nicotinamide nucleotide adenylyltransferase 1; plus strand). Cytogenetic location: 1p36.22.
Variant type: single nucleotide variant.
Coding change: c.140T>A on transcript NM_022787.4 (MANE Select); coding-DNA position 140, T replaced by A.
Protein change: p.Ile47Asn; replaces isoleucine 47 with asparagine.
Molecular consequence: missense variant.
Genome position (GRCh38, 1-based): chr1:9,975,616, T>A. VCF-style: chr1-9975616-T-A. GRCh37 (hg19) VCF-style: chr1-10035674-T-A.
Other names: c.140T>A, p.Ile47Asn (NM_001297778.1, NM_001297779.2); short protein forms I47N.
Identifiers: ClinVar variation 3774486 (VCV003774486.2).